The following is an entry in ClinVar:

ClinVar aggregate classification (germline): Pathogenic/Likely pathogenic. Review status: criteria provided, multiple submitters, no conflicts (2 of 4 stars). 8 submissions from 8 submitters: Pathogenic (1); Likely pathogenic (6). 1 of the submissions does not count toward it. Last evaluated 2025-12-31.

Conditions:
Zellweger spectrum disorders (ZS). Also called: Zellweger Spectrum Disorder; Zellweger Spectrum; Zellweger syndrome; Zellweger Spectrum Disorder (ZSD). Identifiers: Orphanet 912, MedGen C0043459, MONDO:0019609.
Heimler syndrome 1 (HMLR1). Also called: PEROXISOME BIOGENESIS DISORDER 1C. Identifiers: Orphanet 3220, MedGen C4551980, OMIM 234580, MONDO:0024544.
PEX1-related disorder. Also called: PEX1-related condition.
Peroxisome biogenesis disorder 1B (PBD1B). Also called: PEROXISOME BIOGENESIS DISORDER (NALD/IRD); ADRENOLEUKODYSTROPHY, AUTOSOMAL NEONATAL; Refsum disease, infantile form; Infantile Refsum disease; Infantile form of phytanic acid storage disease; PEROXISOME BIOGENESIS DISORDER (NEONATAL ADRENOLEUKODYSTROPHY/INFANTILE REFSUM DISEASE). Identifiers: Orphanet 44, MedGen C0282527, MONDO:0011101, OMIM 601539.
Peroxisome biogenesis disorder 1A (Zellweger) (PBD1A). Also called: Peroxisome biogenesis disorder 1a; Zellweger leukodystrophy. Identifiers: MedGen C4721541, MONDO:0008953, OMIM 214100.

Allele frequency attached by ClinVar (database versions not stated): gnomAD 0.00003; TOPMed 0.00003.

Submissions (8):

PreventionGenetics, part of Exact Sciences
Classification: Likely pathogenic for PEX1-related condition. Last evaluated: 2025-12-31. Review status: criteria provided, single submitter. Criteria: ACMG Guidelines, 2015. Collection method: clinical testing. Allele origin: germline.
Comment: The PEX1 c.721delT variant is predicted to result in a frameshift and premature protein termination (p.Ser241Glnfs*2). This variant was reported in the heterozygous state in an individual with retinal disease; however, no second causative variant was detected in PEX1, and the patient harbored a homozygous likely causative variant in CERKL (Gustavo Vargas et al. 2022. PubMed ID: 35318874). This variant is absent from one large population database (gnomAD), indicating this variant is rare. Frameshift variants in PEX1 are expected to be pathogenic. This variant is interpreted as likely pathogenic.

Labcorp Genetics (formerly Invitae), Labcorp
Classification: Pathogenic for Zellweger spectrum disorders. Last evaluated: 2025-07-28. Review status: criteria provided, single submitter. Criteria: Invitae Variant Classification Sherloc (09022015). Collection method: clinical testing. Allele origin: germline.
Comment: This sequence change creates a premature translational stop signal (p.Ser241Glnfs*2) in the PEX1 gene. It is expected to result in an absent or disrupted protein product. Loss-of-function variants in PEX1 are known to be pathogenic (PMID: 21031596, 26387595, 31831025). This variant is not present in population databases (gnomAD no frequency). This variant has not been reported in the literature in individuals affected with PEX1-related conditions. ClinVar contains an entry for this variant (Variation ID: 591770). For these reasons, this variant has been classified as Pathogenic.

Natera, Inc.
Classification: Likely pathogenic for Zellweger syndrome. Last evaluated: 2025-03-31. Review status: criteria provided, single submitter. Criteria: Natera Variant Classification Schema (03/2026). Collection method: clinical testing. Allele origin: germline.
Comment: The c.721delT variant in PEX1 is a frameshift variant predicted to shift the reading frame beginning at codon 241 and leads to a stop codon 2 codons downstream. This variant is expected to result in nonsense mediated decay, truncation, or a dysfunctional protein product. This variant is rare in the general population with a frequency below the threshold expected for the associated phenotype(s). Given the available evidence, this variant is classified as Likely Pathogenic.

GeneDx
Classification: Likely pathogenic. Last evaluated: 2024-08-28. Review status: criteria provided, single submitter. Criteria: GeneDx Variant Classification Process June 2021. Collection method: clinical testing. Allele origin: germline. Affected: yes.
Comment: Reported in a patient with retinitis pigmentosa who also harbored an apparently homozygous variant in the CERKL gene that may have been responsible for the phenotype (PMID: 35318874); Frameshift variant predicted to result in protein truncation or nonsense mediated decay in a gene for which loss of function is a known mechanism of disease; Not observed at significant frequency in large population cohorts (gnomAD); This variant is associated with the following publications: (PMID: 35318874)

Fulgent Genetics
Classification: Likely pathogenic for Peroxisome biogenesis disorder 1A (Zellweger); Heimler syndrome 1; Peroxisome biogenesis disorder 1B. Last evaluated: 2024-04-04. Review status: criteria provided, single submitter. Criteria: ACMG Guidelines, 2015. Collection method: clinical testing. Allele origin: germline.

Baylor Genetics
Classification: Likely pathogenic for Heimler syndrome 1. Last evaluated: 2023-10-16. Review status: criteria provided, single submitter. Criteria: ACMG Guidelines, 2015. Collection method: clinical testing. Allele origin: unknown.

Blueprint Genetics
Classification: Likely pathogenic for PEX1-related disorders. Last evaluated: 2018-12-14. Review status: criteria provided, single submitter. Criteria: ACMG Guidelines, 2015. Collection method: clinical testing. Allele origin: germline. Affected: yes. Observed: 1 variant allele.

Gharavi Laboratory, Columbia University
Classification: Uncertain significance. Last evaluated: 2018-09-16. Review status: no assertion criteria provided. Criteria: ACMG Guidelines, 2015. Collection method: research. Allele origin: germline. Affected: yes. Not counted in ClinVar's aggregate classification.

Literature cited by the submitters: PubMed 21031596 (cited by Labcorp Genetics (formerly Invitae), Labcorp); PubMed 26387595 (cited by Labcorp Genetics (formerly Invitae), Labcorp); PubMed 31831025 (cited by Labcorp Genetics (formerly Invitae), Labcorp).

NM_000466.3(PEX1):c.721del (p.Ser241fs)

Gene: PEX1 (peroxisomal biogenesis factor 1; minus strand). Cytogenetic location: 7q21.2.
Variant type: Deletion.
Coding change: c.721del on transcript NM_000466.3 (MANE Select); coding-DNA position 721, one base deleted (T; older notation c.721delT).
Protein change: p.Ser241fs; shifts the reading frame from serine 241.
Molecular consequence: frameshift variant.
Genome position (GRCh38, 1-based): chr7:92,517,794, A deleted on the plus strand (T on the coding strand, the reverse complement: PEX1 is on the minus strand). VCF-style (leftmost placement, unchanged base first): chr7-92517793-GA-G. GRCh37 (hg19) VCF-style: chr7-92147107-GA-G.
Other names: c.721del, p.Ser241fs (NM_001282677.2); c.97del, p.Ser33fs (NM_001282678.2); c.721delT (NM_000466.2); short protein forms S33fs, S241fs.
Identifiers: ClinVar variation 591770 (VCV000591770.14), dbSNP rs894289737, ClinGen allele CA161973689.